The following is an entry in ClinVar:

ClinVar aggregate classification (germline): Uncertain significance (1 of 4 stars; one submission).

Conditions:
Neuroblastoma, susceptibility to, 3. Also called: ALK-Related Neuroblastic Tumor Susceptibility. Identifiers: Orphanet 635, MedGen C2751681, MONDO:0013083, OMIM 613014.

Submission:

Labcorp Genetics (formerly Invitae), Labcorp
Classification: Uncertain significance for Neuroblastoma, susceptibility to, 3. Last evaluated: 2024-01-10. Review status: criteria provided, single submitter. Criteria: Invitae Variant Classification Sherloc (09022015). Collection method: clinical testing. Allele origin: germline.
Comment: This sequence change replaces asparagine, which is neutral and polar, with lysine, which is basic and polar, at codon 1520 of the ALK protein (p.Asn1520Lys). This variant is not present in population databases (gnomAD no frequency). This variant has not been reported in the literature in individuals affected with ALK-related conditions. An algorithm developed to predict the effect of missense changes on protein structure and function (PolyPhen-2) suggests that this variant is likely to be tolerated. In summary, the available evidence is currently insufficient to determine the role of this variant in disease. Therefore, it has been classified as a Variant of Uncertain Significance.

NM_004304.5(ALK):c.4560T>A (p.Asn1520Lys)

Gene: ALK (ALK receptor tyrosine kinase; minus strand). Cytogenetic location: 2p23.2.
Variant type: single nucleotide variant.
Coding change: c.4560T>A on transcript NM_004304.5 (MANE Select); coding-DNA position 4560, T replaced by A.
Protein change: p.Asn1520Lys; replaces asparagine 1520 with lysine.
Molecular consequence: missense variant.
Genome position (GRCh38, 1-based): chr2:29,193,527, A>T on the plus strand (T>A on the coding strand, the complement: ALK is on the minus strand). VCF-style: chr2-29193527-A-T. GRCh37 (hg19) VCF-style: chr2-29416393-A-T.
Other names: c.1356T>A, p.Asn452Lys (NM_001353765.2); short protein forms N1520K, N452K.
Identifiers: ClinVar variation 2708632 (VCV002708632.3), dbSNP rs2465873530, ClinGen allele CA346460765.